The following is an entry in ClinVar:

NM_033380.3(COL4A5):c.3356G>A (p.Gly1119Asp)

Gene: COL4A5 (collagen type IV alpha 5 chain; plus strand). Cytogenetic location: Xq22.3.
Variant type: single nucleotide variant.
Coding change: c.3356G>A on transcript NM_033380.3 (MANE Select); coding-DNA position 3356, G replaced by A.
Protein change: p.Gly1119Asp; replaces glycine 1119 with aspartic acid.
Molecular consequence: missense variant.
Genome position (GRCh38, 1-based): chrX:108,655,440, G>A. VCF-style: chrX-108655440-G-A. GRCh37 (hg19) VCF-style: chrX-107898670-G-A.
Other names: c.3356G>A, p.Gly1119Asp (NM_000495.5); short protein forms G1119D.
Identifiers: ClinVar variation 3236026 (VCV003236026.1), dbSNP rs1461391769, ClinGen allele CA413857607.
Genomic context (GRCh38, chrX:108,655,440, plus strand): 5'-CTGTGGGAGATCCTGGTTTGCCCGGATTACCAGGAACCCCTGGAGCAAAAGGACAACCAG[G>A]CCTTCCTGGATTCCCAGGTAAAATTTCTTCTCTTAAATGCTTCCTTCTTTCCTTCCTTAT-3'
Protein context (NP_203699.1, residues 1109-1129): PGTPGAKGQP[Gly1119Asp]LPGFPGTPGP

ClinVar aggregate classification (germline): Likely pathogenic (1 of 4 stars; one submission).

Conditions:
X-linked Alport syndrome (ATS1). Also called: COL4A5-Related Nephropathy; NEPHROPATHY AND DEAFNESS, X-LINKED. Identifiers: Orphanet 63, Orphanet 88917, MedGen C4746986, MONDO:0010520, OMIM 301050.

Submission:

MVZ Medizinische Genetik Mainz
Classification: Likely pathogenic for X-linked Alport syndrome. Last evaluated: 2024-01-11. Review status: criteria provided, single submitter. Criteria: UK Practice Guidelines For Variant Classification V4 01 2020. Collection method: clinical testing. Allele origin: germline. Inheritance: X-linked dominant inheritance. Affected: yes. Observed: 1 variant allele.
Comment: ACMG Criteria: PM1_STR,PM2_SUP,PP3,PP4